The following is an entry in ClinVar:

ClinVar aggregate classification (germline): Pathogenic (1 of 4 stars; one submission).

gnomAD v4.1: 2 of 1,465,216 alleles (0.00014%); highest among the groups gnomAD compares: Non-Finnish European, 0.00018%; no homozygotes.

Submission:

Labcorp Genetics (formerly Invitae), Labcorp
Classification: Pathogenic. Last evaluated: 2023-08-17. Review status: criteria provided, single submitter. Criteria: Invitae Variant Classification Sherloc (09022015). Collection method: clinical testing. Allele origin: germline.
Comment: For these reasons, this variant has been classified as Pathogenic. ClinVar contains an entry for this variant (Variation ID: 1419812). This variant has not been reported in the literature in individuals affected with GRM6-related conditions. This variant is not present in population databases (gnomAD no frequency). This sequence change creates a premature translational stop signal (p.Tyr74*) in the GRM6 gene. It is expected to result in an absent or disrupted protein product. Loss-of-function variants in GRM6 are known to be pathogenic (PMID: 15781871, 16622103, 22008250).

Literature cited by the submitters: PubMed 15781871; PubMed 16622103; PubMed 22008250.

NM_000843.4(GRM6):c.222C>G (p.Tyr74Ter)

Gene: GRM6 (glutamate metabotropic receptor 6; minus strand). Cytogenetic location: 5q35.3.
Variant type: single nucleotide variant.
Coding change: c.222C>G on transcript NM_000843.4 (MANE Select); coding-DNA position 222, C replaced by G.
Protein change: p.Tyr74Ter; replaces tyrosine 74 with a stop codon.
Molecular consequence: nonsense.
Genome position (GRCh38, 1-based): chr5:178,994,723, G>C on the plus strand (C>G on the coding strand, the complement: GRM6 is on the minus strand). VCF-style: chr5-178994723-G-C. GRCh37 (hg19) VCF-style: chr5-178421724-G-C.
Other names: short protein forms Y74*.
Identifiers: ClinVar variation 1419812 (VCV001419812.6), dbSNP rs778393434, ClinGen allele CA3594582.
Genomic context (GRCh38, chr5:178,994,723, plus strand): 5'-CCGCGCGCCCAGGCGCACGCCGGGCAGCAGCTCGGGGTCGGCGTTGACGCGGTCCAGCGC[G>C]TACAGCATGGCCTCCAGCCGGTGCACGCCCTGCTCCTTCTTCAGCTGCCCGCACGCCCGG-3'